The following is an entry in ClinVar:

ClinVar aggregate classification (germline): Uncertain significance (1 of 4 stars; one submission).

Conditions:
Epidermolysis bullosa simplex with nail dystrophy (EBS5D). Identifiers: MedGen C4225309, MONDO:0014661, OMIM 616487.
Autosomal recessive limb-girdle muscular dystrophy type 2Q (LGMDR17). Also called: MUSCULAR DYSTROPHY, LIMB-GIRDLE, AUTOSOMAL RECESSIVE 17. Identifiers: Orphanet 254361, MedGen C3150989, MONDO:0013390, OMIM 613723.
Epidermolysis bullosa simplex 5B, with muscular dystrophy (EBS5B). Also called: Epidermolysis bullosa simplex with muscular dystrophy; EPIDERMOLYSIS BULLOSA SIMPLEX AND LIMB-GIRDLE MUSCULAR DYSTROPHY. Identifiers: Orphanet 257, MedGen C2931072, MONDO:0009181, OMIM 226670.
Epidermolysis bullosa simplex 5C, with pyloric atresia (EBS5C). Also called: PLEC-Related Epidermolysis Bullosa with Pyloric Atresia; Epidermolysis bullosa simplex with pyloric atresia; PLEC1-Related Epidermolysis Bullosa with Pyloric Atresia. Identifiers: Orphanet 158684, MedGen C2677349, MONDO:0012807, OMIM 612138.
Epidermolysis bullosa simplex, Ogna type (EBS5A). Also called: Pidermolysis bullosa simplex 5A, Ogna type; EPIDERMOLYSIS BULLOSA SIMPLEX 5A, OGNA TYPE. Identifiers: Orphanet 79401, MedGen C0432317, MONDO:0007555, OMIM 131950.

Submission:

Labcorp Genetics (formerly Invitae), Labcorp
Classification: Uncertain significance for Autosomal recessive limb-girdle muscular dystrophy type 2Q; Epidermolysis bullosa simplex, Ogna type; Epidermolysis bullosa simplex with nail dystrophy; Epidermolysis bullosa simplex 5C, with pyloric atresia; Epidermolysis bullosa simplex 5B, with muscular dystrophy. Last evaluated: 2024-10-29. Review status: criteria provided, single submitter. Criteria: Invitae Variant Classification Sherloc (09022015). Collection method: clinical testing. Allele origin: germline.
Comment: This sequence change replaces alanine, which is neutral and non-polar, with glycine, which is neutral and non-polar, at codon 2154 of the PLEC protein (p.Ala2154Gly). This variant is not present in population databases (gnomAD no frequency). This variant has not been reported in the literature in individuals affected with PLEC-related conditions. An algorithm developed to predict the effect of missense changes on protein structure and function (PolyPhen-2) suggests that this variant is likely to be tolerated. In summary, the available evidence is currently insufficient to determine the role of this variant in disease. Therefore, it has been classified as a Variant of Uncertain Significance.

NM_201384.3(PLEC):c.6380C>G (p.Ala2127Gly)

Gene: PLEC (plectin; minus strand). Cytogenetic location: 8q24.3.
Variant type: single nucleotide variant.
Coding change: c.6380C>G on transcript NM_201384.3 (MANE Select); coding-DNA position 6380, C replaced by G.
Protein change: p.Ala2127Gly; replaces alanine 2127 with glycine.
Molecular consequence: missense variant. On other transcripts: intron variant (1).
Genome position (GRCh38, 1-based): chr8:143,923,549, G>C on the plus strand (C>G on the coding strand, the complement: PLEC is on the minus strand). VCF-style: chr8-143923549-G-C. GRCh37 (hg19) VCF-style: chr8-144997717-G-C.
Other names: c.6380C>G, p.Ala2127Gly (NM_201382.4); c.6392C>G, p.Ala2131Gly (NM_201383.3); c.4126-1154C>G (NM_001410941.1); c.6461C>G, p.Ala2154Gly (NM_000445.5); c.6338C>G, p.Ala2113Gly (NM_201378.4); c.6314C>G, p.Ala2105Gly (NM_201379.3); c.6791C>G, p.Ala2264Gly (NM_201380.4); c.6284C>G, p.Ala2095Gly (NM_201381.3); short protein forms A2095G, A2105G, A2113G, A2127G, A2131G, A2154G, A2264G.
Identifiers: ClinVar variation 3748736 (VCV003748736.2).